The following is an entry in ClinVar:

ClinVar aggregate classification (germline): Pathogenic (1 of 4 stars; one submission).

Allele frequency attached by ClinVar (database versions not stated): TOPMed below 0.00001; gnomAD 0.00001; gnomAD exomes 0.00001; ExAC 0.00002.
gnomAD v4.1: 15 of 1,613,830 alleles (0.00093%); highest among the groups gnomAD compares: African/African-American, 0.0013%; no homozygotes.

Submission:

Labcorp Genetics (formerly Invitae), Labcorp
Classification: Pathogenic. Last evaluated: 2024-01-26. Review status: criteria provided, single submitter. Criteria: Invitae Variant Classification Sherloc (09022015). Collection method: clinical testing. Allele origin: germline.
Comment: This sequence change creates a premature translational stop signal (p.Ser4*) in the MME gene. It is expected to result in an absent or disrupted protein product. Loss-of-function variants in MME are known to be pathogenic (PMID: 26991897). This variant is present in population databases (rs746439998, gnomAD 0.003%). This variant has not been reported in the literature in individuals affected with MME-related conditions. For these reasons, this variant has been classified as Pathogenic.

Literature cited by the submitters: PubMed 26991897.

NM_007289.4(MME):c.11C>G (p.Ser4Ter)

Gene: MME (membrane metalloendopeptidase; plus strand). Cytogenetic location: 3q25.2.
Variant type: single nucleotide variant.
Coding change: c.11C>G on transcript NM_007289.4 (MANE Select); coding-DNA position 11, C replaced by G.
Protein change: p.Ser4Ter; replaces serine 4 with a stop codon.
Molecular consequence: nonsense.
Genome position (GRCh38, 1-based): chr3:155,084,178, C>G. VCF-style: chr3-155084178-C-G. GRCh37 (hg19) VCF-style: chr3-154801967-C-G.
Other names: c.11C>G, p.Ser4Ter (NM_000902.5, NM_001354642.2, NM_001354643.1 and 3 more transcripts); short protein forms S4*.
Identifiers: ClinVar variation 2883909 (VCV002883909.3), dbSNP rs746439998, ClinGen allele CA2674984.